The following is an entry in ClinVar:

NM_025114.4(CEP290):c.5808C>T (p.Val1936=)

Gene: CEP290 (centrosomal protein 290; minus strand). Cytogenetic location: 12q21.32.
Variant type: single nucleotide variant.
Coding change: c.5808C>T on transcript NM_025114.4 (MANE Select); coding-DNA position 5808, C replaced by T.
Protein change: p.Val1936=; no amino-acid change (valine 1936 retained).
Molecular consequence: synonymous variant.
Genome position (GRCh38, 1-based): chr12:88,071,828, G>A on the plus strand (C>T on the coding strand, the complement: CEP290 is on the minus strand). VCF-style: chr12-88071828-G-A. GRCh37 (hg19) VCF-style: chr12-88465605-G-A.
Other names: c.5808C>T (NM_025114.3).
Identifiers: ClinVar variation 1125512 (VCV001125512.10), dbSNP rs905571067, ClinGen allele CA241150705.

ClinVar aggregate classification (germline): Likely benign. Review status: criteria provided, multiple submitters, no conflicts (2 of 4 stars). 2 submissions from 2 submitters: Likely benign (2). Last evaluated 2024-10-14.

Conditions:
CEP290-related disorder. Also called: CEP290-related condition; CEP290-related disorders. Identifiers: MedGen CN239314.
Meckel-Gruber syndrome. Also called: DYSENCEPHALIA SPLANCHNOCYSTICA; Dysencephalia splachnocystica; GRUBER SYNDROME. Identifiers: Orphanet 564, MedGen C0265215, MONDO:0018921.
Joubert syndrome. Also called: Familial aplasia of the vermis; JOUBERT-BOLTSHAUSER SYNDROME. Identifiers: Orphanet 475, MedGen C5979921, MONDO:0018772.
Nephronophthisis. Also called: Juvenile Nephronophthisis. Identifiers: Orphanet 655, MedGen C0687120, MONDO:0019005, HP:0000090.

Allele frequency attached by ClinVar (database versions not stated): gnomAD exomes below 0.00001; gnomAD 0.00001; TOPMed 0.00002.
gnomAD v4.1: 4 of 1,603,400 alleles (0.00025%); highest among the groups gnomAD compares: African/African-American, 0.004%; no homozygotes.

Submissions (2):

PreventionGenetics, part of Exact Sciences
Classification: Likely benign for CEP290-related condition. Last evaluated: 2024-10-14. Review status: criteria provided, single submitter. Criteria: ACMG Guidelines, 2015. Collection method: clinical testing. Allele origin: germline.
Comment: This variant is classified as likely benign based on ACMG/AMP sequence variant interpretation guidelines (Richards et al. 2015 PMID: 25741868, with internal and published modifications).

Labcorp Genetics (formerly Invitae), Labcorp
Classification: Likely benign for Joubert syndrome; Meckel-Gruber syndrome; Nephronophthisis. Last evaluated: 2024-02-29. Review status: criteria provided, single submitter. Criteria: Invitae Variant Classification Sherloc (09022015). Collection method: clinical testing. Allele origin: germline.